The following is an entry in ClinVar:

ClinVar aggregate classification (germline): Uncertain significance (1 of 4 stars; one submission).

Conditions:
Eichsfeld type congenital muscular dystrophy (CMYO3). Also called: Rigid spine muscular dystrophy 1; MYOPATHY, SEPN1-RELATED; SELENON-related myopathy; Congenital myopathy 3 with rigid spine. Identifiers: MedGen C0410180, MONDO:0100100, OMIM 602771.

Submission:

Labcorp Genetics (formerly Invitae), Labcorp
Classification: Uncertain significance for Eichsfeld type congenital muscular dystrophy. Last evaluated: 2022-03-18. Review status: criteria provided, single submitter. Criteria: Invitae Variant Classification Sherloc (09022015). Collection method: clinical testing. Allele origin: germline.
Comment: This sequence change falls in intron 1 of the SELENON gene. It does not directly change the encoded amino acid sequence of the SELENON protein. This variant is not present in population databases (gnomAD no frequency). This variant has not been reported in the literature in individuals affected with SELENON-related conditions. ClinVar contains an entry for this variant (Variation ID: 1063849). Algorithms developed to predict the effect of sequence changes on RNA splicing suggest that this variant may create or strengthen a splice site. In summary, the available evidence is currently insufficient to determine the role of this variant in disease. Therefore, it has been classified as a Variant of Uncertain Significance.

NM_206926.2(SELENON):c.184-6A>C

Gene: SELENON (selenoprotein N; plus strand). Cytogenetic location: 1p36.11.
Variant type: single nucleotide variant.
Coding change: c.184-6A>C on transcript NM_206926.2 (MANE Select); 6 bases into the intron before coding-DNA position 184, A replaced by C.
Molecular consequence: intron variant.
Genome position (GRCh38, 1-based): chr1:25,801,037, A>C. VCF-style: chr1-25801037-A-C. GRCh37 (hg19) VCF-style: chr1-26127528-A-C.
Other names: c.184-6A>C (NM_020451.3).
Identifiers: ClinVar variation 1063849 (VCV001063849.9), dbSNP rs2124437550, ClinGen allele CA2499214667.